The following is an entry in ClinVar:

ClinVar aggregate classification (germline): Uncertain significance. Review status: criteria provided, multiple submitters, no conflicts (2 of 4 stars). 2 submissions from 2 submitters: Uncertain significance (2). Last evaluated 2025-02-20.

Conditions:
Autosomal dominant childhood-onset proximal spinal muscular atrophy with contractures (SMALED2A). Also called: Spinal muscular atrophy, lower extremity-predominant, 2A, autosomal dominant; SPINAL MUSCULAR ATROPHY, LOWER EXTREMITY-PREDOMINANT, 2A, CHILDHOOD ONSET, AUTOSOMAL DOMINANT. Identifiers: Orphanet 363447, Orphanet 363454, MedGen C4747715, MONDO:0014121, OMIM 615290.
Inborn genetic diseases. Identifiers: MedGen C0950123, MeSH D030342.

Allele frequency attached by ClinVar (database versions not stated): ExAC 0.00001; gnomAD 0.00001; gnomAD exomes 0.00001; TOPMed 0.00002; ESP Exome Variant Server 0.00008.
gnomAD v4.1: 17 of 1,614,058 alleles (0.0011%); highest among the groups gnomAD compares: Non-Finnish European, 0.0014%; no homozygotes.

Submissions (2):

Labcorp Genetics (formerly Invitae), Labcorp
Classification: Uncertain significance for Autosomal dominant childhood-onset proximal spinal muscular atrophy with contractures. Last evaluated: 2025-02-20. Review status: criteria provided, single submitter. Criteria: Invitae Variant Classification Sherloc (09022015). Collection method: clinical testing. Allele origin: germline.
Comment: This sequence change replaces glutamic acid, which is acidic and polar, with lysine, which is basic and polar, at codon 245 of the BICD2 protein (p.Glu245Lys). This variant is present in population databases (rs371897802, gnomAD 0.002%). This variant has not been reported in the literature in individuals affected with BICD2-related conditions. ClinVar contains an entry for this variant (Variation ID: 1001008). Invitae Evidence Modeling incorporating data from in vitro experimental studies (internal data) indicates that this missense variant is not expected to disrupt BICD2 function with a negative predictive value of 95%. In summary, the available evidence is currently insufficient to determine the role of this variant in disease. Therefore, it has been classified as a Variant of Uncertain Significance.

Ambry Genetics
Classification: Uncertain significance for Inborn genetic diseases. Last evaluated: 2022-09-06. Review status: criteria provided, single submitter. Criteria: Ambry Variant Classification Scheme 2023. Collection method: clinical testing. Allele origin: germline.

NM_001003800.2(BICD2):c.733G>A (p.Glu245Lys)

Gene: BICD2 (BICD cargo adaptor 2; minus strand). Cytogenetic location: 9q22.31.
Variant type: single nucleotide variant.
Coding change: c.733G>A on transcript NM_001003800.2 (MANE Select); coding-DNA position 733, G replaced by A.
Protein change: p.Glu245Lys; replaces glutamic acid 245 with lysine.
Molecular consequence: missense variant.
Genome position (GRCh38, 1-based): chr9:92,720,629, C>T on the plus strand (G>A on the coding strand, the complement: BICD2 is on the minus strand). VCF-style: chr9-92720629-C-T. GRCh37 (hg19) VCF-style: chr9-95482911-C-T.
Other names: c.733G>A, p.Glu245Lys (NM_015250.4); short protein forms E245K.
Identifiers: ClinVar variation 1001008 (VCV001001008.11), dbSNP rs371897802, ClinGen allele CA5126736.